The following is an entry in ClinVar:

NM_003128.3(SPTBN1):c.3791C>A (p.Ala1264Asp)

Gene: SPTBN1 (spectrin beta, non-erythrocytic 1; plus strand). Cytogenetic location: 2p16.2.
Variant type: single nucleotide variant.
Coding change: c.3791C>A on transcript NM_003128.3 (MANE Select); coding-DNA position 3791, C replaced by A.
Protein change: p.Ala1264Asp; replaces alanine 1264 with aspartic acid.
Molecular consequence: missense variant.
Genome position (GRCh38, 1-based): chr2:54,637,736, C>A. VCF-style: chr2-54637736-C-A. GRCh37 (hg19) VCF-style: chr2-54864873-C-A.
Other names: c.3752C>A, p.Ala1251Asp (NM_178313.3); c.3791C>A (NM_003128.2); short protein forms A1264D, A1251D.
Identifiers: ClinVar variation 4742834 (VCV004742834.2).

ClinVar aggregate classification (germline): Uncertain significance. Review status: criteria provided, multiple submitters, no conflicts (2 of 4 stars). 2 submissions from 2 submitters: Uncertain significance (2). Last evaluated 2026-03-30.

gnomAD v4.1: 1 of 1,613,590 alleles (0.000062%); no homozygotes.

Submissions (2):

GeneDx
Classification: Uncertain significance. Last evaluated: 2026-03-30. Review status: criteria provided, single submitter. Criteria: GeneDx Variant Classification Process June 2021. Collection method: clinical testing. Allele origin: germline.
Comment: Not observed at significant frequency in large population cohorts (gnomAD); In silico analysis supports that this missense variant has a deleterious effect on protein structure/function; Has not been previously published as pathogenic or benign to our knowledge

Labcorp Genetics (formerly Invitae), Labcorp
Classification: Uncertain significance. Last evaluated: 2025-02-02. Review status: criteria provided, single submitter. Criteria: Invitae Variant Classification Sherloc (09022015). Collection method: clinical testing. Allele origin: germline.
Comment: This sequence change replaces alanine, which is neutral and non-polar, with aspartic acid, which is acidic and polar, at codon 1264 of the SPTBN1 protein (p.Ala1264Asp). This variant is not present in population databases (gnomAD no frequency). This variant has not been reported in the literature in individuals affected with SPTBN1-related conditions. Invitae Evidence Modeling of protein sequence and biophysical properties (such as structural, functional, and spatial information, amino acid conservation, physicochemical variation, residue mobility, and thermodynamic stability) indicates that this missense variant is expected to disrupt SPTBN1 protein function with a positive predictive value of 80%. In summary, the available evidence is currently insufficient to determine the role of this variant in disease. Therefore, it has been classified as a Variant of Uncertain Significance.